The following is an entry in ClinVar:

ClinVar aggregate classification (germline): Uncertain significance (1 of 4 stars; one submission).

Conditions:
Inborn genetic diseases. Identifiers: MedGen C0950123, MeSH D030342.

gnomAD v4.1: 2 of 1,613,428 alleles (0.00012%); highest among the groups gnomAD compares: Non-Finnish European, 0.00017%; no homozygotes.

Submission:

Ambry Genetics
Classification: Uncertain significance for Inborn genetic diseases. Last evaluated: 2024-08-31. Review status: criteria provided, single submitter. Criteria: Ambry Variant Classification Scheme 2023. Collection method: clinical testing. Allele origin: germline.
Comment: The p.N964K variant (also known as c.2892T>G), located in coding exon 22 of the DPYD gene, results from a T to G substitution at nucleotide position 2892. The asparagine at codon 964 is replaced by lysine, an amino acid with similar properties. This amino acid position is conserved. In addition, the in silico prediction for this alteration is inconclusive. Based on the available evidence, the clinical significance of this variant remains unclear.

NM_000110.4(DPYD):c.2892T>G (p.Asn964Lys)

Gene: DPYD (dihydropyrimidine dehydrogenase; minus strand). Cytogenetic location: 1p21.3.
Variant type: single nucleotide variant.
Coding change: c.2892T>G on transcript NM_000110.4 (MANE Select); coding-DNA position 2892, T replaced by G.
Protein change: p.Asn964Lys; replaces asparagine 964 with lysine.
Molecular consequence: missense variant.
Genome position (GRCh38, 1-based): chr1:97,082,345, A>C on the plus strand (T>G on the coding strand, the complement: DPYD is on the minus strand). VCF-style: chr1-97082345-A-C. GRCh37 (hg19) VCF-style: chr1-97547901-A-C.
Other names: short protein forms N964K.
Identifiers: ClinVar variation 3505086 (VCV003505086.1).
Genomic context (GRCh38, chr1:97,082,345, plus strand): 5'-GAAGAAACATGTCTCATAGCATTCTAATTCCAGCAGGATTCTTACCTGGTAGCCAGAATC[A>C]TTACAGGTCATGTAGCATTTACCACAGTTGATACACATTTCTTCATCAATCATAGCCACA-3'
Protein context (NP_000101.2, residues 954-974): INCGKCYMTC[Asn964Lys]DSGYQAIQFD